The following is an entry in ClinVar:

NM_020911.2(PLXNA4):c.4501-6C>T

Gene: PLXNA4 (plexin A4; minus strand). Cytogenetic location: 7q32.3.
Variant type: single nucleotide variant.
Coding change: c.4501-6C>T on transcript NM_020911.2 (MANE Select); 6 bases into the intron before coding-DNA position 4501, C replaced by T.
Molecular consequence: intron variant.
Genome position (GRCh38, 1-based): chr7:132,159,638, G>A on the plus strand (C>T on the coding strand, the complement: PLXNA4 is on the minus strand). VCF-style: chr7-132159638-G-A. GRCh37 (hg19) VCF-style: chr7-131844397-G-A.
Other names: c.4501-6C>T (NM_001393897.1).
Identifiers: ClinVar variation 3349625 (VCV003349625.1).

ClinVar aggregate classification (germline): Likely benign (0 of 4 stars; one submission).

Conditions:
PLXNA4-related disorder. Also called: PLXNA4-related condition.

Submission:

PreventionGenetics, part of Exact Sciences
Classification: Likely benign for PLXNA4-related condition. Last evaluated: 2023-08-25. Review status: no assertion criteria provided. Collection method: clinical testing. Allele origin: germline.
Comment: This variant is classified as likely benign based on ACMG/AMP sequence variant interpretation guidelines (Richards et al. 2015 PMID: 25741868, with internal and published modifications).